The following is an entry in ClinVar:

NM_004817.4(TJP2):c.2880+17C>T

Gene: TJP2 (tight junction protein 2; plus strand). Cytogenetic location: 9q21.11.
Variant type: single nucleotide variant.
Coding change: c.2880+17C>T on transcript NM_004817.4 (MANE Select); 17 bases into the intron after coding-DNA position 2880, C replaced by T.
Molecular consequence: intron variant.
Genome position (GRCh38, 1-based): chr9:69,248,241, C>T. VCF-style: chr9-69248241-C-T. GRCh37 (hg19) VCF-style: chr9-71863157-C-T.
Other names: c.2811+17C>T (NM_001170414.2, NM_001369871.1); c.2805+17C>T (NM_001369870.1); c.2880+17C>T (NM_201629.3, NM_001369872.1, LRG_1201t1 and 1 more transcripts); c.2667+1451C>T (NM_001369873.1); c.2892+17C>T (NM_001170415.1, NM_001369875.1, NM_001369874.1); c.2973+17C>T (NM_001170416.2).
Identifiers: ClinVar variation 290789 (VCV000290789.11), dbSNP rs778212657, ClinGen allele CA5073797.

ClinVar aggregate classification (germline): Conflicting classifications of pathogenicity. Review status: criteria provided, conflicting classifications (1 of 4 stars). 3 submissions from 3 submitters: Uncertain significance (1); Likely benign (1). 1 of the submissions does not count toward it. Last evaluated 2023-12-07.

Conditions:
TJP2-related disorder. Also called: TJP2-related condition.

Allele frequency attached by ClinVar (database versions not stated): TOPMed 0.00002; gnomAD 0.00005 and 0.00006; gnomAD exomes 0.00008 and 0.00017; ExAC 0.00014.
gnomAD v4.1: 57 of 1,573,598 alleles (0.0036%); highest among the groups gnomAD compares: Admixed American, 0.1%; no homozygotes.

Submissions (3):

Labcorp Genetics (formerly Invitae), Labcorp
Classification: Likely benign. Last evaluated: 2023-12-07. Review status: criteria provided, single submitter. Criteria: Invitae Variant Classification Sherloc (09022015). Collection method: clinical testing. Allele origin: germline.

Eurofins Ntd Llc (ga)
Classification: Uncertain significance. Last evaluated: 2017-07-10. Review status: criteria provided, single submitter. Criteria: EGL Classification Definitions 2015. Collection method: clinical testing. Allele origin: germline. Observed: 4 variant alleles, 4 heterozygotes.

PreventionGenetics, part of Exact Sciences
Classification: Likely benign for TJP2-related condition. Last evaluated: 2021-08-02. Review status: no assertion criteria provided. Collection method: clinical testing. Allele origin: germline. Not counted in ClinVar's aggregate classification.
Comment: This variant is classified as likely benign based on ACMG/AMP sequence variant interpretation guidelines (Richards et al. 2015 PMID: 25741868, with internal and published modifications).